The following is an entry in ClinVar:

NM_022458.4(LMBR1):c.1262G>C (p.Arg421Thr)

Gene: LMBR1 (limb development membrane protein 1; minus strand). Cytogenetic location: 7q36.3.
Variant type: single nucleotide variant.
Coding change: c.1262G>C on transcript NM_022458.4 (MANE Select); coding-DNA position 1262, G replaced by C.
Protein change: p.Arg421Thr; replaces arginine 421 with threonine.
Molecular consequence: missense variant. On other transcripts: intron variant (6), non-coding transcript variant (2).
Genome position (GRCh38, 1-based): chr7:156,688,155, C>G on the plus strand (G>C on the coding strand, the complement: LMBR1 is on the minus strand). VCF-style: chr7-156688155-C-G. GRCh37 (hg19) VCF-style: chr7-156480849-C-G.
Other names: c.1226-3992G>C (NM_001363410.2); c.1349-3992G>C (NM_001363409.2); c.770-3992G>C (NM_001350958.2); c.857-3992G>C (NM_001350957.2); c.1385G>C, p.Arg462Thr (NM_001350953.2); c.806G>C, p.Arg269Thr (NM_001350955.2, NM_001350956.2, NM_001363413.2); c.893G>C, p.Arg298Thr (NM_001363411.2); c.1163-3992G>C (NM_001363412.2); and 1 more; short protein forms R269T, R462T, R298T, R421T.
Identifiers: ClinVar variation 2770011 (VCV002770011.3), dbSNP rs780494539, ClinGen allele CA4587780.

ClinVar aggregate classification (germline): Uncertain significance (1 of 4 stars; one submission).

Allele frequency attached by ClinVar (database versions not stated): ExAC 0.00001; gnomAD exomes 0.00001.
gnomAD v4.1: 9 of 1,606,354 alleles (0.00056%); highest among the groups gnomAD compares: Non-Finnish European, 0.00076%; no homozygotes.

Submission:

Labcorp Genetics (formerly Invitae), Labcorp
Classification: Uncertain significance. Last evaluated: 2024-08-28. Review status: criteria provided, single submitter. Criteria: Invitae Variant Classification Sherloc (09022015). Collection method: clinical testing. Allele origin: germline.
Comment: This sequence change replaces arginine, which is basic and polar, with threonine, which is neutral and polar, at codon 421 of the LMBR1 protein (p.Arg421Thr). This variant is present in population databases (rs780494539, gnomAD 0.0009%). This variant has not been reported in the literature in individuals affected with LMBR1-related conditions. Invitae Evidence Modeling of protein sequence and biophysical properties (such as structural, functional, and spatial information, amino acid conservation, physicochemical variation, residue mobility, and thermodynamic stability) indicates that this missense variant is not expected to disrupt LMBR1 protein function with a negative predictive value of 80%. In summary, the available evidence is currently insufficient to determine the role of this variant in disease. Therefore, it has been classified as a Variant of Uncertain Significance.